The following is an entry in ClinVar:

NM_000455.5(STK11):c.260G>A (p.Arg87Lys)

Gene: STK11 (serine/threonine kinase 11; plus strand). Cytogenetic location: 19p13.3.
Variant type: single nucleotide variant.
Coding change: c.260G>A on transcript NM_000455.5 (MANE Select); coding-DNA position 260, G replaced by A.
Protein change: p.Arg87Lys; replaces arginine 87 with lysine.
Molecular consequence: missense variant. On other transcripts: non-coding transcript variant (1).
Genome position (GRCh38, 1-based): chr19:1,207,173, G>A. VCF-style: chr19-1207173-G-A. GRCh37 (hg19) VCF-style: chr19-1207172-G-A.
Other names: c.260G>A, p.Arg87Lys (NM_001407255.1); short protein forms R87K.
Identifiers: ClinVar variation 2451993 (VCV002451993.2), dbSNP rs1568690463, ClinGen allele CA402944538.

ClinVar aggregate classification (germline): Uncertain significance (1 of 4 stars; one submission).

Conditions:
Hereditary cancer-predisposing syndrome. Also called: Neoplastic Syndromes, Hereditary; Tumor predisposition; Hereditary neoplastic syndrome; Hereditary Cancer Syndrome. Identifiers: Orphanet 140162, MedGen C0027672, MeSH D009386, MONDO:0015356.

Allele frequency attached by ClinVar (database versions not stated): gnomAD exomes below 0.00001.
gnomAD v4.1: 1 of 1,610,462 alleles (0.000062%); highest among the groups gnomAD compares: African/African-American, 0.0013%; no homozygotes.

Submission:

Ambry Genetics
Classification: Uncertain significance for Hereditary cancer-predisposing syndrome. Last evaluated: 2022-11-18. Review status: criteria provided, single submitter. Criteria: Ambry Variant Classification Scheme 2023. Collection method: clinical testing. Allele origin: germline.
Comment: The p.R87K variant (also known as c.260G>A), located in coding exon 1 of the STK11 gene, results from a G to A substitution at nucleotide position 260. The arginine at codon 87 is replaced by lysine, an amino acid with highly similar properties. Functional studies suggest this alteration retains typical subcellular localization plus similar kinase and tumor suppressor activity relative to wild-type, but significantly decreased protein half-life relative to wild-type (Granado-Mart&iacute;nez P et al. Commun Biol, 2020 07;3:366). As such, the physiological relevance of these findings are unclear and additional evidence is needed. This amino acid position is highly conserved in available vertebrate species. In addition, the in silico prediction for this alteration is inconclusive. Since supporting evidence is limited at this time, the clinical significance of this alteration remains unclear.

Literature cited by the submitters: PubMed 32647375.